The following is an entry in ClinVar:

NM_005633.4(SOS1):c.2804C>G (p.Thr935Ser)

Gene: SOS1 (SOS Ras/Rac guanine nucleotide exchange factor 1; minus strand). Cytogenetic location: 2p22.1.
Variant type: single nucleotide variant.
Coding change: c.2804C>G on transcript NM_005633.4 (MANE Select); coding-DNA position 2804, C replaced by G.
Protein change: p.Thr935Ser; replaces threonine 935 with serine.
Molecular consequence: missense variant.
Genome position (GRCh38, 1-based): chr2:38,997,413, G>C on the plus strand (C>G on the coding strand, the complement: SOS1 is on the minus strand). VCF-style: chr2-38997413-G-C. GRCh37 (hg19) VCF-style: chr2-39224554-G-C.
Other names: c.2783C>G, p.Thr928Ser (NM_001382394.1); c.2804C>G, p.Thr935Ser (NM_001382395.1); short protein forms T935S, T928S.
Identifiers: ClinVar variation 2957800 (VCV002957800.3), dbSNP rs2528926606, ClinGen allele CA346362788.

ClinVar aggregate classification (germline): Uncertain significance (1 of 4 stars; one submission).

Conditions:
RASopathy. Also called: rasopathies; Noonan spectrum disorder. Identifiers: Orphanet 536391, MedGen C5555857, MONDO:0021060.

Submission:

Labcorp Genetics (formerly Invitae), Labcorp
Classification: Uncertain significance for RASopathy. Last evaluated: 2023-12-13. Review status: criteria provided, single submitter. Criteria: Invitae Variant Classification Sherloc (09022015). Collection method: clinical testing. Allele origin: germline.
Comment: This sequence change replaces threonine, which is neutral and polar, with serine, which is neutral and polar, at codon 935 of the SOS1 protein (p.Thr935Ser). This variant is not present in population databases (gnomAD no frequency). This variant has not been reported in the literature in individuals affected with SOS1-related conditions. Advanced modeling of protein sequence and biophysical properties (such as structural, functional, and spatial information, amino acid conservation, physicochemical variation, residue mobility, and thermodynamic stability) performed at Invitae indicates that this missense variant is not expected to disrupt SOS1 protein function with a negative predictive value of 95%. In summary, the available evidence is currently insufficient to determine the role of this variant in disease. Therefore, it has been classified as a Variant of Uncertain Significance.